The following is an entry in ClinVar:

ClinVar aggregate classification (germline): Uncertain significance (1 of 4 stars; one submission).

Conditions:
BNAR syndrome. Also called: Bifid Nose With or Without Anorectal and Renal Anomalies (BNAR) Syndrome. Identifiers: Orphanet 217266, MedGen C2750433, MONDO:0012165, OMIM 608980.

Allele frequency attached by ClinVar (database versions not stated): gnomAD exomes below 0.00001.
gnomAD v4.1: 1 of 1,612,586 alleles (0.000062%); highest among the groups gnomAD compares: Non-Finnish European, 0.000085%; no homozygotes.

Submission:

Baylor Genetics
Classification: Uncertain significance for BNAR syndrome. Last evaluated: 2019-07-04. Review status: criteria provided, single submitter. Criteria: ACMG Guidelines, 2015. Collection method: clinical testing. Allele origin: unknown. Affected: yes.
Comment: This variant was determined to be of uncertain significance according to ACMG Guidelines, 2015 [PMID:25741868].

NM_001379081.2(FREM1):c.1786A>G (p.Ile596Val)

Gene: FREM1 (FRAS1 related extracellular matrix 1; minus strand). Cytogenetic location: 9p22.3.
Variant type: single nucleotide variant.
Coding change: c.1786A>G on transcript NM_001379081.2 (MANE Select); coding-DNA position 1786, A replaced by G.
Protein change: p.Ile596Val; replaces isoleucine 596 with valine.
Molecular consequence: missense variant. On other transcripts: non-coding transcript variant (2).
Genome position (GRCh38, 1-based): chr9:14,841,542, T>C on the plus strand (A>G on the coding strand, the complement: FREM1 is on the minus strand). VCF-style: chr9-14841542-T-C. GRCh37 (hg19) VCF-style: chr9-14841540-T-C.
Other names: c.1786A>G, p.Ile596Val (NM_144966.7); short protein forms I596V.
Identifiers: ClinVar variation 1030226 (VCV001030226.1), dbSNP rs1825697515, ClinGen allele CA372959647.
Genomic context (GRCh38, chr9:14,841,542, plus strand): 5'-CCCACAGGACAAATTGAAAAGAATCTTCAAAGATTTCTCCACCAAAATGACGATAATAAA[T>C]GATTCCATTAAACAAATCCCTCTGAAGGAAGCCATGGACAGGATAGCCTATTGGGTCCAT-3'
Protein context (NP_001366010.1, residues 586-606): FLQRDLFNGI[Ile596Val]YYRHFGGEIF